The following is an entry in ClinVar:

ClinVar aggregate classification (germline): Likely benign (1 of 4 stars; one submission).

Allele frequency attached by ClinVar (database versions not stated): 1000 Genomes Project 30x 0.00021; gnomAD exomes 0.00004; gnomAD 0.00008; TOPMed 0.00008.
gnomAD v4.1: 46 of 1,093,055 alleles (0.0042%); highest among the groups gnomAD compares: Middle Eastern, 0.027%; no homozygotes.

Submission:

CeGaT Center for Human Genetics Tuebingen
Classification: Likely benign. Last evaluated: 2022-09-01. Review status: criteria provided, single submitter. Criteria: CeGaT Center For Human Genetics Tuebingen Variant Classification Criteria Version 2. Collection method: clinical testing. Allele origin: germline. Affected: yes. Observed: 1 variant allele.
Comment: DOCK11: BP4, BP7

NM_144658.4(DOCK11):c.24C>T (p.Thr8=)

Gene: DOCK11 (dedicator of cytokinesis 11; plus strand). Cytogenetic location: Xq24.
Variant type: single nucleotide variant.
Coding change: c.24C>T on transcript NM_144658.4 (MANE Select); coding-DNA position 24, C replaced by T.
Protein change: p.Thr8=; no amino-acid change (threonine 8 retained).
Molecular consequence: synonymous variant.
Genome position (GRCh38, 1-based): chrX:118,495,995, C>T. VCF-style: chrX-118495995-C-T. GRCh37 (hg19) VCF-style: chrX-117629958-C-T.
Identifiers: ClinVar variation 2661264 (VCV002661264.24), dbSNP rs779717069, ClinGen allele CA10498637.